The following is an entry in ClinVar:

ClinVar aggregate classification (germline): Uncertain significance (1 of 4 stars; one submission).

Submission:

Labcorp Genetics (formerly Invitae), Labcorp
Classification: Uncertain significance. Last evaluated: 2022-10-17. Review status: criteria provided, single submitter. Criteria: Invitae Variant Classification Sherloc (09022015). Collection method: clinical testing. Allele origin: germline.
Comment: A copy number gain of the genomic region encompassing the full coding sequence of the KMT2C gene has been identified. The boundaries of this event are unknown as they extend beyond the assayed region for this gene and therefore may encompass additional genes. As the precise location of this event is unknown, it may be in tandem or it may be located elsewhere in the genome. Isolated whole-gene copy number gains of KMT2C have not been reported in the literature. However, larger copy number events that include this gene have been reported (PMID: 21792059, 34374989). In summary, the available evidence is currently insufficient to determine the role of this variant in disease. Therefore, it has been classified as a Variant of Uncertain Significance.

Literature cited by the submitters: PubMed 21792059; PubMed 34374989.

NC_000007.13:g.(?_151704892)_(152373164_?)dup

Genes: GALNT11 (polypeptide N-acetylgalactosaminyltransferase 11; plus strand), GALNTL5 (polypeptide N-acetylgalactosaminyltransferase like 5; plus strand), KMT2C (lysine methyltransferase 2C; minus strand), XRCC2 (X-ray repair cross complementing 2; minus strand). Cytogenetic location: 7q36.1.
Variant type: Duplication.
Identifiers: ClinVar variation 2427459 (VCV002427459.3).